The following is an entry in ClinVar:

ClinVar aggregate classification (germline): Conflicting classifications of pathogenicity. Review status: criteria provided, conflicting classifications (1 of 4 stars). 2 submissions from 2 submitters: Uncertain significance (1); Likely benign (1). Last evaluated 2024-10-23.

Allele frequency attached by ClinVar (database versions not stated): ExAC 0.00001; gnomAD 0.00002 and 0.00003; gnomAD exomes 0.00002 and 0.00003; TOPMed 0.00003.
gnomAD v4.1: 35 of 1,605,788 alleles (0.0022%); highest among the groups gnomAD compares: African/African-American, 0.0067%; no homozygotes.

Submissions (2):

Blueprint Genetics
Classification: Likely benign. Last evaluated: 2024-10-23. Review status: criteria provided, single submitter. Criteria: ACMG Guidelines, 2015. Collection method: clinical testing. Allele origin: germline.

Labcorp Genetics (formerly Invitae), Labcorp
Classification: Uncertain significance. Last evaluated: 2022-09-07. Review status: criteria provided, single submitter. Criteria: Invitae Variant Classification Sherloc (09022015). Collection method: clinical testing. Allele origin: germline.
Comment: This sequence change affects codon 1644 of the KIAA1549 mRNA. It is a 'silent' change, meaning that it does not change the encoded amino acid sequence of the KIAA1549 protein. This variant is present in population databases (rs764841633, gnomAD 0.01%). This variant has not been reported in the literature in individuals affected with KIAA1549-related conditions. ClinVar contains an entry for this variant (Variation ID: 1512515). Algorithms developed to predict the effect of sequence changes on RNA splicing suggest that this variant may create or strengthen a splice site. In summary, the available evidence is currently insufficient to determine the role of this variant in disease. Therefore, it has been classified as a Variant of Uncertain Significance.

NM_001164665.2(KIAA1549):c.4932G>A (p.Ser1644=)

Gene: KIAA1549 (KIAA1549; minus strand). Cytogenetic location: 7q34.
Variant type: single nucleotide variant.
Coding change: c.4932G>A on transcript NM_001164665.2 (MANE Select); coding-DNA position 4932, G replaced by A.
Protein change: p.Ser1644=; no amino-acid change (serine 1644 retained).
Molecular consequence: synonymous variant.
Genome position (GRCh38, 1-based): chr7:138,861,454, C>T on the plus strand (G>A on the coding strand, the complement: KIAA1549 is on the minus strand). VCF-style: chr7-138861454-C-T. GRCh37 (hg19) VCF-style: chr7-138546200-C-T.
Other names: c.4932G>A, p.Ser1644= (NM_020910.3).
Identifiers: ClinVar variation 1512515 (VCV001512515.4), dbSNP rs764841633, ClinGen allele CA4505698.